The following is an entry in ClinVar:

NM_000199.5(SGSH):c.130G>A (p.Ala44Thr)

Gene: SGSH (N-sulfoglucosamine sulfohydrolase; minus strand). Cytogenetic location: 17q25.3.
Variant type: single nucleotide variant.
Coding change: c.130G>A on transcript NM_000199.5 (MANE Select); coding-DNA position 130, G replaced by A.
Protein change: p.Ala44Thr; replaces alanine 44 with threonine.
Molecular consequence: missense variant. On other transcripts: non-coding transcript variant (1).
Genome position (GRCh38, 1-based): chr17:80,217,151, C>T on the plus strand (G>A on the coding strand, the complement: SGSH is on the minus strand). VCF-style: chr17-80217151-C-T. GRCh37 (hg19) VCF-style: chr17-78190950-C-T.
Other names: c.130G>A, p.Ala44Thr (NM_001352921.3, NM_001352922.2); c.130G>A (NM_000199.4); short protein forms A44T.
Identifiers: ClinVar variation 381685 (VCV000381685.12), dbSNP rs1057521146, ClinGen allele CA16607870.

ClinVar aggregate classification (germline): Conflicting classifications of pathogenicity. Review status: criteria provided, conflicting classifications (1 of 4 stars). 5 submissions from 5 submitters: Pathogenic (1); Likely pathogenic (2); Uncertain significance (1). 1 of the submissions does not count toward it. Last evaluated 2025-08-08.

Conditions:
Mucopolysaccharidosis, MPS-III-A (MPS3A). Also called: Mucopolysaccharidosis type IIIA (Sanfilippo A); mucopolysaccharidosis type 3A; MPS IIIA (Sanfilippo Syndrome Type A); SANFILIPPO SYNDROME A; SULFAMIDASE DEFICIENCY; HEPARAN SULFATE SULFATASE DEFICIENCY. Identifiers: Orphanet 581, Orphanet 79269, MedGen C0086647, MONDO:0009655, OMIM 252900.

Allele frequency attached by ClinVar (database versions not stated): gnomAD 0.00001; gnomAD exomes below 0.00001; TOPMed 0.00002.

Submissions (5):

Natera, Inc.
Classification: Likely pathogenic for Mucopolysaccharidosis type IIIA. Last evaluated: 2025-08-08. Review status: criteria provided, single submitter. Criteria: Natera Variant Classification Schema (03/2026). Collection method: clinical testing. Allele origin: germline.
Comment: The c.130G>A variant in SGSH is a missense variant predicted to cause substitution of alanine to threonine at amino acid 44. This variant is rare in the general population with a frequency below the threshold expected for the associated phenotype(s). This variant has been observed in one or more individuals affected with the associated recessive disease, as either homozygous or compound heterozygous with a second variant (PMID: 10727844). This variant has been identified in one or more affected individuals with a phenotype highly consistent with the associated gene (PMID: 10727844). Functional studies show that this variant may disrupt protein function (PMID: 10727844). Given the available evidence, this variant is classified as Likely Pathogenic.

Women's Health and Genetics/Laboratory Corporation of America, LabCorp
Classification: Likely pathogenic for Mucopolysaccharidosis, MPS-III-A. Last evaluated: 2024-10-14. Review status: criteria provided, single submitter. Criteria: LabCorp Variant Classification Summary - May 2015. Collection method: clinical testing. Allele origin: germline.
Comment: Variant summary: SGSH c.130G>A (p.Ala44Thr) results in a non-conservative amino acid change located in the sulfatase, N-terminal domain (IPR000917) of the encoded protein sequence. Three of five in-silico tools predict a damaging effect of the variant on protein function. The variant allele was found at a frequency of 5.6e-06 in 1600522 control chromosomes (gnomAD v4.1). c.130G>A has been reported in the literature as a compound heterozygous genotype and an uninformative genotype (i.e. zygosity not specified) in at least two individuals affected with Mucopolysaccharidosis Type IIIA (Sanfilippo Syndrome A) (e.g. Di Natale_1998, Esposito_2000, Kroepfl_2001). Experimental evidence evaluating an impact on protein function found that the variant resulted an enzyme activity that was indistinguishable from the negative control, at <10% of the WT protein (Esposito_2000). The following publications have been ascertained in the context of this evaluation (PMID: 9554748, 10727844, 11903343). ClinVar contains an entry for this variant (Variation ID: 381685). Based on the evidence outlined above, the variant was classified as likely pathogenic.

GeneDx
Classification: Pathogenic. Last evaluated: 2024-09-26. Review status: criteria provided, single submitter. Criteria: GeneDx Variant Classification Process June 2021. Collection method: clinical testing. Allele origin: germline. Affected: yes.
Comment: Published functional studies found this variant is associated with significantly reduced enzyme activity (PMID: 10727844); Not observed at significant frequency in large population cohorts (gnomAD); In silico analysis indicates that this missense variant does not alter protein structure/function; This variant is associated with the following publications: (PMID: 11668611, 25807448, 24816101, 10727844, Tornea2020[CaseReport], 9554748)

Labcorp Genetics (formerly Invitae), Labcorp
Classification: Uncertain significance for Mucopolysaccharidosis, MPS-III-A. Last evaluated: 2022-08-19. Review status: criteria provided, single submitter. Criteria: Invitae Variant Classification Sherloc (09022015). Collection method: clinical testing. Allele origin: germline.
Comment: This sequence change replaces alanine, which is neutral and non-polar, with threonine, which is neutral and polar, at codon 44 of the SGSH protein (p.Ala44Thr). This variant is not present in population databases (gnomAD no frequency). This missense change has been observed in individual(s) with mucopolysaccharidosis type III (PMID: 10727844). ClinVar contains an entry for this variant (Variation ID: 381685). Algorithms developed to predict the effect of missense changes on protein structure and function are either unavailable or do not agree on the potential impact of this missense change (SIFT: "Tolerated"; PolyPhen-2: "Possibly Damaging"; Align-GVGD: "Class C0"). Experimental studies have shown that this missense change affects SGSH function (PMID: 10727844). In summary, the available evidence is currently insufficient to determine the role of this variant in disease. Therefore, it has been classified as a Variant of Uncertain Significance.

Counsyl
Classification: Uncertain significance for Mucopolysaccharidosis, MPS-III-A. Last evaluated: 2018-02-13. Review status: no assertion criteria provided. Collection method: clinical testing. Allele origin: unknown. Not counted in ClinVar's aggregate classification.

Literature cited by the submitters: PubMed 10727844 (cited by 4 submitters); PubMed 9554748 (cited by Women's Health and Genetics/Laboratory Corporation of America, LabCorp and Counsyl); PubMed 11903343 (cited by Women's Health and Genetics/Laboratory Corporation of America, LabCorp); PubMed 24816101 (cited by Counsyl).